The following is an entry in ClinVar:

NM_020774.4(MIB1):c.1003G>A (p.Val335Met)

Gene: MIB1 (MIB E3 ubiquitin protein ligase 1; plus strand). Cytogenetic location: 18q11.2.
Variant type: single nucleotide variant.
Coding change: c.1003G>A on transcript NM_020774.4 (MANE Select); coding-DNA position 1003, G replaced by A.
Protein change: p.Val335Met; replaces valine 335 with methionine.
Molecular consequence: missense variant.
Genome position (GRCh38, 1-based): chr18:21,791,468, G>A. VCF-style: chr18-21791468-G-A. GRCh37 (hg19) VCF-style: chr18-19371429-G-A.
Other names: short protein forms V335M.
Identifiers: ClinVar variation 3294698 (VCV003294698.1).

ClinVar aggregate classification (germline): Uncertain significance (1 of 4 stars; one submission).

Conditions:
Inborn genetic diseases. Identifiers: MedGen C0950123, MeSH D030342.

Submission:

Ambry Genetics
Classification: Uncertain significance for Inborn genetic diseases. Last evaluated: 2024-04-25. Review status: criteria provided, single submitter. Criteria: Ambry Variant Classification Scheme 2023. Collection method: clinical testing. Allele origin: germline.
Comment: The p.V335M variant (also known as c.1003G>A), located in coding exon 7 of the MIB1 gene, results from a G to A substitution at nucleotide position 1003. The valine at codon 335 is replaced by methionine, an amino acid with highly similar properties. This amino acid position is conserved. In addition, the in silico prediction for this alteration is inconclusive. Based on the available evidence, the clinical significance of this variant remains unclear.